The following is an entry in ClinVar:

ClinVar aggregate classification (germline): Uncertain significance (1 of 4 stars; one submission).

Conditions:
Retinitis pigmentosa 83 (RP83). Identifiers: MedGen C4748536, MONDO:0032577, OMIM 618173.

Submission:

Institute of Human Genetics, University of Goettingen
Classification: Uncertain significance for Retinitis pigmentosa 83. Last evaluated: 2024-05-27. Review status: criteria provided, single submitter. Criteria: ACMG Guidelines, 2015. Collection method: clinical testing. Allele origin: unknown. Inheritance: Autosomal dominant inheritance. Affected: yes. Observed: 1 heterozygote.
Comment: PM2, PP3, PM5_sup

NM_004311.4(ARL3):c.199G>A (p.Asp67Asn)

Gene: ARL3 (ARF like GTPase 3; minus strand). Cytogenetic location: 10q24.32.
Variant type: single nucleotide variant.
Coding change: c.199G>A on transcript NM_004311.4 (MANE Select); coding-DNA position 199, G replaced by A.
Protein change: p.Asp67Asn; replaces aspartic acid 67 with asparagine.
Molecular consequence: missense variant.
Genome position (GRCh38, 1-based): chr10:102,699,438, C>T on the plus strand (G>A on the coding strand, the complement: ARL3 is on the minus strand). VCF-style: chr10-102699438-C-T. GRCh37 (hg19) VCF-style: chr10-104459195-C-T.
Other names: short protein forms D67N.
Identifiers: ClinVar variation 3237172 (VCV003237172.2), dbSNP rs2492969270.